The following is an entry in ClinVar:

NM_007046.4(EMILIN1):c.931G>A (p.Gly311Ser)

Gene: EMILIN1 (elastin microfibril interfacer 1; plus strand). Cytogenetic location: 2p23.3.
Variant type: single nucleotide variant.
Coding change: c.931G>A on transcript NM_007046.4 (MANE Select); coding-DNA position 931, G replaced by A.
Protein change: p.Gly311Ser; replaces glycine 311 with serine.
Molecular consequence: missense variant.
Genome position (GRCh38, 1-based): chr2:27,082,502, G>A. VCF-style: chr2-27082502-G-A. GRCh37 (hg19) VCF-style: chr2-27305370-G-A.
Other names: c.931G>A (NM_007046.3); short protein forms G311S.
Identifiers: ClinVar variation 2650759 (VCV002650759.24), dbSNP rs1370071343, ClinGen allele CA346148868.

ClinVar aggregate classification (germline): Conflicting classifications of pathogenicity. Review status: criteria provided, conflicting classifications (1 of 4 stars). 2 submissions from 2 submitters: Uncertain significance (1); Likely benign (1). Last evaluated 2025-04-11.

Conditions:
Inborn genetic diseases. Identifiers: MedGen C0950123, MeSH D030342.

Allele frequency attached by ClinVar (database versions not stated): TOPMed 0.00001; gnomAD 0.00002; gnomAD exomes 0.00002.
gnomAD v4.1: 31 of 1,547,056 alleles (0.002%); highest among the groups gnomAD compares: Non-Finnish European, 0.0026%; no homozygotes.

Submissions (2):

Ambry Genetics
Classification: Uncertain significance for Inborn genetic diseases. Last evaluated: 2025-04-11. Review status: criteria provided, single submitter. Criteria: Ambry Variant Classification Scheme 2023. Collection method: clinical testing. Allele origin: germline.

CeGaT Center for Human Genetics Tuebingen
Classification: Likely benign. Last evaluated: 2022-12-01. Review status: criteria provided, single submitter. Criteria: CeGaT Center For Human Genetics Tuebingen Variant Classification Criteria Version 2. Collection method: clinical testing. Allele origin: germline. Affected: yes. Observed: 1 variant allele.
Comment: EMILIN1: BP4